The following is an entry in ClinVar:

NM_001429.4(EP300):c.7046del (p.Pro2349fs)

Gene: EP300 (EP300 lysine acetyltransferase; plus strand). Cytogenetic location: 22q13.2.
Variant type: Deletion.
Coding change: c.7046del on transcript NM_001429.4 (MANE Select); coding-DNA position 7046, one base deleted (C; older notation c.7046delC).
Protein change: p.Pro2349fs; shifts the reading frame from proline 2349.
Molecular consequence: frameshift variant.
Genome position (GRCh38, 1-based): chr22:41,178,757, C deleted; the last of 2 consecutive C bases (chr22:41,178,756-41,178,757); deleting either gives the same sequence. VCF-style (leftmost placement, unchanged base first): chr22-41178755-TC-T. GRCh37 (hg19) VCF-style: chr22-41574759-TC-T.
Other names: c.6968del, p.Pro2323fs (NM_001362843.2); short protein forms P2349fs, P2323fs.
Identifiers: ClinVar variation 3727953 (VCV003727953.2).

ClinVar aggregate classification (germline): Uncertain significance (1 of 4 stars; one submission).

Conditions:
Rubinstein-Taybi syndrome due to EP300 haploinsufficiency. Also called: EP300-Related Rubinstein-Taybi Syndrome; RUBINSTEIN-TAYBI SYNDROME 2. Identifiers: Orphanet 353284, Orphanet 783, MedGen C3150941, MONDO:0013364, OMIM 613684.

Submission:

Labcorp Genetics (formerly Invitae), Labcorp
Classification: Uncertain significance for Rubinstein-Taybi syndrome due to EP300 haploinsufficiency. Last evaluated: 2024-12-24. Review status: criteria provided, single submitter. Criteria: Invitae Variant Classification Sherloc (09022015). Collection method: clinical testing. Allele origin: germline.
Comment: This sequence change creates a premature translational stop signal (p.Pro2349Leufs*4) in the EP300 gene. While this is not anticipated to result in nonsense mediated decay, it is expected to disrupt the last 66 amino acid(s) of the EP300 protein. This variant is not present in population databases (gnomAD no frequency). This variant has not been reported in the literature in individuals affected with EP300-related conditions. Experimental studies and prediction algorithms are not available or were not evaluated, and the functional significance of this variant is currently unknown. In summary, the available evidence is currently insufficient to determine the role of this variant in disease. Therefore, it has been classified as a Variant of Uncertain Significance.